The following is an entry in ClinVar:

NM_005996.4(TBX3):c.254C>G (p.Ala85Gly)

Genes: TBX3 (T-box transcription factor 3; minus strand), TBX3-AS1 (TBX3 antisense RNA 1; plus strand). Cytogenetic location: 12q24.21.
Variant type: single nucleotide variant.
Coding change: c.254C>G on transcript NM_005996.4 (MANE Select); coding-DNA position 254, C replaced by G.
Protein change: p.Ala85Gly; replaces alanine 85 with glycine.
Molecular consequence: missense variant.
Genome position (GRCh38, 1-based): chr12:114,682,947, G>C on the plus strand (C>G on the coding strand, the complement: TBX3 is on the minus strand). VCF-style: chr12-114682947-G-C. GRCh37 (hg19) VCF-style: chr12-115120752-G-C.
Other names: c.254C>G (NM_016569.3); c.254C>G, p.Ala85Gly (NM_016569.4); short protein forms A85G.
Identifiers: ClinVar variation 3966282 (VCV003966282.2).

ClinVar aggregate classification (germline): Uncertain significance. Review status: criteria provided, multiple submitters, no conflicts (2 of 4 stars). 2 submissions from 2 submitters: Uncertain significance (2). Last evaluated 2026-05-06.

Conditions:
TBX3-related disorder. Also called: TBX3-related condition.
Inborn genetic diseases. Identifiers: MedGen C0950123, MeSH D030342.

gnomAD v4.1: 3 of 1,614,074 alleles (0.00019%); highest among the groups gnomAD compares: Admixed American, 0.005%; no homozygotes.

Submissions (2):

PreventionGenetics, part of Exact Sciences
Classification: Uncertain significance for TBX3-related condition. Last evaluated: 2026-05-06. Review status: criteria provided, single submitter. Criteria: ACMG Guidelines, 2015. Collection method: clinical testing. Allele origin: germline.
Comment: The TBX3 c.254C>G variant is predicted to result in the amino acid substitution p.Ala85Gly. To our knowledge, this variant has not been reported in the literature. This variant is reported in 0.0058% of alleles in individuals of Latino descent in gnomAD. At this time, the clinical significance of this variant is uncertain due to the absence of conclusive functional and genetic evidence.

Ambry Genetics
Classification: Uncertain significance for Inborn genetic diseases. Last evaluated: 2025-04-09. Review status: criteria provided, single submitter. Criteria: Ambry Variant Classification Scheme 2023. Collection method: clinical testing. Allele origin: germline.